The following is an entry in ClinVar:

NM_016734.3(PAX5):c.1102T>C (p.Ser368Pro)

Gene: PAX5 (paired box 5; minus strand). Cytogenetic location: 9p13.2.
Variant type: single nucleotide variant.
Coding change: c.1102T>C on transcript NM_016734.3 (MANE Select); coding-DNA position 1102, T replaced by C.
Protein change: p.Ser368Pro; replaces serine 368 with proline.
Molecular consequence: missense variant. On other transcripts: synonymous variant (2), non-coding transcript variant (2).
Genome position (GRCh38, 1-based): chr9:36,840,634, A>G on the plus strand (T>C on the coding strand, the complement: PAX5 is on the minus strand). VCF-style: chr9-36840634-A-G. GRCh37 (hg19) VCF-style: chr9-36840631-A-G.
Other names: c.1000T>C, p.Ser334Pro (NM_001280547.2); c.1015T>C, p.Ser339Pro (NM_001280548.2); c.870T>C, p.Ala290= (NM_001280549.2); c.783T>C, p.Ala261= (NM_001280550.2); c.589T>C, p.Ser197Pro (NM_001280551.2); c.913T>C, p.Ser305Pro (NM_001280552.2); c.886T>C, p.Ser296Pro (NM_001280553.2); c.973T>C, p.Ser325Pro (NM_001280554.2); and 2 more; short protein forms S260P, S296P, S325P, S339P, S368P, S197P, S268P, S305P.
Identifiers: ClinVar variation 3885957 (VCV003885957.1).

ClinVar aggregate classification (germline): Uncertain significance (1 of 4 stars; one submission).

Conditions:
Inborn genetic diseases. Identifiers: MedGen C0950123, MeSH D030342.

Submission:

Ambry Genetics
Classification: Uncertain significance for Inborn genetic diseases. Last evaluated: 2025-02-16. Review status: criteria provided, single submitter. Criteria: Ambry Variant Classification Scheme 2023. Collection method: clinical testing. Allele origin: germline.
Comment: The p.S368P variant (also known as c.1102T>C), located in coding exon 10 of the PAX5 gene, results from a T to C substitution at nucleotide position 1102. The serine at codon 368 is replaced by proline, an amino acid with similar properties. This amino acid position is conserved. In addition, this alteration is predicted to be deleterious by in silico analysis. Based on the available evidence, the clinical significance of this variant remains unclear.